The following is an entry in ClinVar:

ClinVar aggregate classification (germline): Uncertain significance (1 of 4 stars; one submission).

Conditions:
Hereditary cancer-predisposing syndrome. Also called: Hereditary neoplastic syndrome; Tumor predisposition; Hereditary Cancer Syndrome; Neoplastic Syndromes, Hereditary. Identifiers: Orphanet 140162, MedGen C0027672, MeSH D009386, MONDO:0015356.

Submission:

Color Diagnostics, LLC DBA Color Health
Classification: Uncertain significance for Hereditary cancer-predisposing syndrome. Last evaluated: 2023-12-05. Review status: criteria provided, single submitter. Criteria: ACMG Guidelines, 2015. Collection method: clinical testing. Allele origin: germline.
Comment: This missense variant replaces glutamic acid with valine at codon 371 of the PALB2 protein. Computational prediction suggests that this variant may not impact protein structure and function (internally defined REVEL score threshold <= 0.5, PMID: 27666373). To our knowledge, functional studies have not been reported for this variant. This variant has not been reported in individuals affected with PALB2-related disorders in the literature. This variant has not been identified in the general population by the Genome Aggregation Database (gnomAD). The available evidence is insufficient to determine the role of this variant in disease conclusively. Therefore, this variant is classified as a Variant of Uncertain Significance.

NM_024675.4(PALB2):c.1112A>T (p.Glu371Val)

Gene: PALB2 (partner and localizer of BRCA2; minus strand). Cytogenetic location: 16p12.2.
Variant type: single nucleotide variant.
Coding change: c.1112A>T on transcript NM_024675.4 (MANE Select); coding-DNA position 1112, A replaced by T.
Protein change: p.Glu371Val; replaces glutamic acid 371 with valine.
Molecular consequence: missense variant.
Genome position (GRCh38, 1-based): chr16:23,635,434, T>A on the plus strand (A>T on the coding strand, the complement: PALB2 is on the minus strand). VCF-style: chr16-23635434-T-A. GRCh37 (hg19) VCF-style: chr16-23646755-T-A.
Other names: short protein forms E371V.
Identifiers: ClinVar variation 492148 (VCV000492148.5), dbSNP rs1555461445, ClinGen allele CA395133765.